The following is an entry in ClinVar:

NM_001904.4(CTNNB1):c.775C>T (p.Leu259Phe)

Gene: CTNNB1 (catenin beta 1; plus strand). Cytogenetic location: 3p22.1.
Variant type: single nucleotide variant.
Coding change: c.775C>T on transcript NM_001904.4 (MANE Select); coding-DNA position 775, C replaced by T.
Protein change: p.Leu259Phe; replaces leucine 259 with phenylalanine.
Molecular consequence: missense variant.
Genome position (GRCh38, 1-based): chr3:41,225,700, C>T. VCF-style: chr3-41225700-C-T. GRCh37 (hg19) VCF-style: chr3-41267191-C-T.
Other names: c.775C>T, p.Leu259Phe (NM_001098209.2, NM_001098210.2); c.754C>T, p.Leu252Phe (NM_001330729.2); short protein forms L252F, L259F.
Identifiers: ClinVar variation 1316722 (VCV001316722.7), dbSNP rs1472749661, ClinGen allele CA352230120.

ClinVar aggregate classification (germline): Uncertain significance. Review status: criteria provided, multiple submitters, no conflicts (2 of 4 stars). 3 submissions from 3 submitters: Uncertain significance (3). Last evaluated 2022-10-13.

Allele frequency attached by ClinVar (database versions not stated): gnomAD exomes below 0.00001; gnomAD 0.00001; TOPMed 0.00001.
gnomAD v4.1: 2 of 1,614,048 alleles (0.00012%); highest among the groups gnomAD compares: Non-Finnish European, 0.00017%; no homozygotes.

Submissions (3):

Labcorp Genetics (formerly Invitae), Labcorp
Classification: Uncertain significance. Last evaluated: 2022-10-13. Review status: criteria provided, single submitter. Criteria: Invitae Variant Classification Sherloc (09022015). Collection method: clinical testing. Allele origin: germline.
Comment: In summary, the available evidence is currently insufficient to determine the role of this variant in disease. Therefore, it has been classified as a Variant of Uncertain Significance. Advanced modeling of protein sequence and biophysical properties (such as structural, functional, and spatial information, amino acid conservation, physicochemical variation, residue mobility, and thermodynamic stability) performed at Invitae indicates that this missense variant is expected to disrupt CTNNB1 protein function. ClinVar contains an entry for this variant (Variation ID: 1316722). This variant has not been reported in the literature in individuals affected with CTNNB1-related conditions. This variant is present in population databases (no rsID available, gnomAD 0.007%). This sequence change replaces leucine, which is neutral and non-polar, with phenylalanine, which is neutral and non-polar, at codon 259 of the CTNNB1 protein (p.Leu259Phe).

GeneDx
Classification: Uncertain significance. Last evaluated: 2020-02-28. Review status: criteria provided, single submitter. Criteria: GeneDx Variant Classification Process June 2021. Collection method: clinical testing. Allele origin: germline. Affected: yes.
Comment: In silico analysis, which includes protein predictors and evolutionary conservation, supports a deleterious effect; Has not been previously published as pathogenic or benign to our knowledge

Blueprint Genetics
Classification: Uncertain significance. Last evaluated: 2018-08-05. Review status: criteria provided, single submitter. Criteria: ACMG Guidelines, 2015. Collection method: clinical testing. Allele origin: germline.